The following is an entry in ClinVar:

NM_000368.5(TSC1):c.1276G>T (p.Asp426Tyr)

Gene: TSC1 (TSC complex subunit 1; minus strand). Cytogenetic location: 9q34.13.
Variant type: single nucleotide variant.
Coding change: c.1276G>T on transcript NM_000368.5 (MANE Select); coding-DNA position 1276, G replaced by T.
Protein change: p.Asp426Tyr; replaces aspartic acid 426 with tyrosine.
Molecular consequence: missense variant.
Genome position (GRCh38, 1-based): chr9:132,907,358, C>A on the plus strand (G>T on the coding strand, the complement: TSC1 is on the minus strand). VCF-style: chr9-132907358-C-A. GRCh37 (hg19) VCF-style: chr9-135782745-C-A.
Other names: c.1273G>T, p.Asp425Tyr (NM_001162426.2); c.1123G>T, p.Asp375Tyr (NM_001162427.2); c.913G>T, p.Asp305Tyr (NM_001362177.2); short protein forms D426Y, D305Y, D425Y, D375Y.
Identifiers: ClinVar variation 237699 (VCV000237699.29), dbSNP rs765695557, ClinGen allele CA027960.

ClinVar aggregate classification (germline): Conflicting classifications of pathogenicity. Review status: criteria provided, conflicting classifications (1 of 4 stars). 10 submissions from 10 submitters: Uncertain significance (3); Likely benign (7). Last evaluated 2026-02-11.

Conditions:
Tuberous sclerosis syndrome (TSC). Also called: Tuberous Sclerosis Complex; Tuberous sclerosis. Identifiers: Orphanet 805, MedGen C0041341, MONDO:0001734.
Hereditary cancer-predisposing syndrome. Also called: Tumor predisposition; Hereditary Cancer Syndrome; Hereditary neoplastic syndrome; Neoplastic Syndromes, Hereditary. Identifiers: Orphanet 140162, MedGen C0027672, MeSH D009386, MONDO:0015356.
Tuberous sclerosis 1 (TSC1). Identifiers: Orphanet 805, MedGen C1854465, MONDO:0008612, OMIM 191100.

Allele frequency attached by ClinVar (database versions not stated): gnomAD exomes 0.00001 and 0.00002; ExAC 0.00003; gnomAD 0.00007 and 0.00008; TOPMed 0.00007.
gnomAD v4.1: 21 of 1,613,664 alleles (0.0013%); highest among the groups gnomAD compares: African/African-American, 0.028%; no homozygotes.

Submissions (10):

St. Jude Molecular Pathology, St. Jude Children's Research Hospital
Classification: Uncertain significance for Tuberous sclerosis 1. Last evaluated: 2026-02-11. Review status: criteria provided, single submitter. Criteria: St. Jude Assertion Criteria 2020. Collection method: clinical testing. Allele origin: germline.
Comment: The TSC1 c.1276G>T p.(Asp426Tyr) missense change has a maximum subpopulation frequency of 0.03% in gnomAD v2.1.1. The in silico tool REVEL is inconclusive about a pathogenic or benign effect of this variant on protein function, and to our knowledge functional studies have not been performed. To our knowledge, this variant has not been reported in individuals with tuberous sclerosis complex. In summary, the evidence currently available is insufficient to determine the clinical significance of this variant. It has therefore been classified as of uncertain significance.

Labcorp Genetics (formerly Invitae), Labcorp
Classification: Likely benign for Tuberous sclerosis 1. Last evaluated: 2026-01-11. Review status: criteria provided, single submitter. Criteria: Invitae Variant Classification Sherloc (09022015). Collection method: clinical testing. Allele origin: germline.

Women's Health and Genetics/Laboratory Corporation of America, LabCorp
Classification: Likely benign. Last evaluated: 2025-10-29. Review status: criteria provided, single submitter. Criteria: LabCorp Variant Classification Summary - May 2015. Collection method: clinical testing. Allele origin: germline.
Comment: Variant summary: TSC1 c.1276G>T (p.Asp426Tyr) results in a non-conservative amino acid change in the encoded protein sequence. Algorithms developed to predict the effect of missense changes on protein structure and function are either unavailable or do not agree on the potential impact of this missense change. The variant allele was found at a frequency of 1.3e-05 in 1613664 control chromosomes, predominantly at a frequency of 0.00028 within the African or African-American subpopulation in the gnomAD database. The observed variant frequency within African or African-American control individuals in the gnomAD database exceeds the estimated maximal expected allele frequency for disease-causing variants in TSC1. To our knowledge, no occurrence of c.1276G>T in individuals affected with TSC1-related conditions and no experimental evidence demonstrating its impact on protein function have been reported. ClinVar contains an entry for this variant (Variation ID: 237699). Based on the evidence outlined above, the variant was classified as likely benign.

Myriad Genetics, Inc.
Classification: Likely benign for Tuberous sclerosis 1. Last evaluated: 2024-08-09. Review status: criteria provided, single submitter. Criteria: Myriad Autosomal Dominant, Autosomal Recessive and X-Linked Classification Criteria (2023). Collection method: clinical testing. Allele origin: unknown.
Comment: This variant is considered likely benign. This variant has been observed at a population frequency that is significantly greater than expected given the associated disease prevalence and penetrance.

Department of Pathology and Laboratory Medicine, Sinai Health System
Classification: Uncertain significance for Tuberous sclerosis 1. Last evaluated: 2024-01-11. Review status: criteria provided, single submitter. Criteria: ACMG Guidelines, 2015. Collection method: clinical testing. Allele origin: germline. Affected: yes.

Color Diagnostics, LLC DBA Color Health
Classification: Likely benign for Tuberous sclerosis syndrome. Last evaluated: 2023-01-15. Review status: criteria provided, single submitter. Criteria: ACMG Guidelines, 2015. Collection method: clinical testing. Allele origin: germline.

Ambry Genetics
Classification: Likely benign for Hereditary cancer-predisposing syndrome. Last evaluated: 2022-03-24. Review status: criteria provided, single submitter. Criteria: Ambry Variant Classification Scheme 2023. Collection method: clinical testing. Allele origin: germline.

Genome-Nilou Lab
Classification: Likely benign for Tuberous sclerosis 1. Last evaluated: 2021-11-07. Review status: criteria provided, single submitter. Criteria: ACMG Guidelines, 2015. Collection method: clinical testing. Allele origin: germline. Affected: no.

GeneDx
Classification: Likely benign. Last evaluated: 2017-11-17. Review status: criteria provided, single submitter. Criteria: GeneDx Variant Classification (06012015). Collection method: clinical testing. Allele origin: germline. Affected: yes.
Comment: This variant is considered likely benign or benign based on one or more of the following criteria: it is a conservative change, it occurs at a poorly conserved position in the protein, it is predicted to be benign by multiple in silico algorithms, and/or has population frequency not consistent with disease.

Eurofins Ntd Llc (ga)
Classification: Uncertain significance. Last evaluated: 2016-08-26. Review status: criteria provided, single submitter. Criteria: EGL Classification Definitions 2015. Collection method: clinical testing. Allele origin: germline. Observed: 1 variant allele, 1 heterozygote.